The following is an entry in ClinVar:

ClinVar aggregate classification (germline): Uncertain significance (1 of 4 stars; one submission).

Conditions:
Genitopatellar syndrome (GTPTS). Also called: ABSENT PATELLAE, SCROTAL HYPOPLASIA, RENAL ANOMALIES, FACIAL DYSMORPHISM, AND MENTAL RETARDATION; Genitopatellar syndrome (GPS). Identifiers: Orphanet 85201, MedGen C1853566, MONDO:0011640, OMIM 606170.

gnomAD v4.1: 14 of 1,614,112 alleles (0.00087%); highest among the groups gnomAD compares: Non-Finnish European, 0.0012%; no homozygotes.

Submission:

Labcorp Genetics (formerly Invitae), Labcorp
Classification: Uncertain significance for Genitopatellar syndrome. Last evaluated: 2025-11-09. Review status: criteria provided, single submitter. Criteria: Invitae Variant Classification Sherloc (09022015). Collection method: clinical testing. Allele origin: germline.
Comment: This sequence change replaces glutamic acid, which is acidic and polar, with glutamine, which is neutral and polar, at codon 1310 of the KAT6B protein (p.Glu1310Gln). This variant is present in population databases (rs201959220, gnomAD 0.004%). This variant has not been reported in the literature in individuals affected with KAT6B-related conditions. Invitae Evidence Modeling of protein sequence and biophysical properties (such as structural, functional, and spatial information, amino acid conservation, physicochemical variation, residue mobility, and thermodynamic stability) indicates that this missense variant is not expected to disrupt KAT6B protein function with a negative predictive value of 80%. In summary, the available evidence is currently insufficient to determine the role of this variant in disease. Therefore, it has been classified as a Variant of Uncertain Significance.

NM_012330.4(KAT6B):c.3928G>C (p.Glu1310Gln)

Gene: KAT6B (lysine acetyltransferase 6B; plus strand). Cytogenetic location: 10q22.2.
Variant type: single nucleotide variant.
Coding change: c.3928G>C on transcript NM_012330.4 (MANE Select); coding-DNA position 3928, G replaced by C.
Protein change: p.Glu1310Gln; replaces glutamic acid 1310 with glutamine.
Molecular consequence: missense variant.
Genome position (GRCh38, 1-based): chr10:75,028,752, G>C. VCF-style: chr10-75028752-G-C. GRCh37 (hg19) VCF-style: chr10-76788510-G-C.
Other names: c.3379G>C, p.Glu1127Gln (NM_001256468.2, NM_001370138.1); c.3052G>C, p.Glu1018Gln (NM_001256469.2, NM_001370139.1, NM_001370140.1 and 2 more transcripts); c.2890G>C, p.Glu964Gln (NM_001370132.1); c.2239G>C, p.Glu747Gln (NM_001370133.1); c.1843G>C, p.Glu615Gln (NM_001370134.1); c.1585G>C, p.Glu529Gln (NM_001370135.1); c.3928G>C, p.Glu1310Gln (NM_001370136.1, NM_001370137.1); c.2863G>C, p.Glu955Gln (NM_001370143.1, NM_001370144.1); short protein forms E1018Q, E1127Q, E1310Q, E529Q, E615Q, E747Q, E955Q, E964Q.
Identifiers: ClinVar variation 4810547 (VCV004810547.1).